The following is an entry in ClinVar:

ClinVar aggregate classification (germline): Uncertain significance. Review status: criteria provided, multiple submitters, no conflicts (2 of 4 stars). 2 submissions from 2 submitters: Uncertain significance (2). Last evaluated 2025-03-05.

gnomAD v4.1: 118 of 1,613,860 alleles (0.0073%); highest among the groups gnomAD compares: Middle Eastern, 0.033%; no homozygotes.

Submissions (2):

Labcorp Genetics (formerly Invitae), Labcorp
Classification: Uncertain significance. Last evaluated: 2025-03-05. Review status: criteria provided, single submitter. Criteria: Invitae Variant Classification Sherloc (09022015). Collection method: clinical testing. Allele origin: germline.
Comment: This sequence change replaces alanine, which is neutral and non-polar, with valine, which is neutral and non-polar, at codon 11 of the KIAA1161 protein (p.Ala11Val). This variant is present in population databases (rs749573561, gnomAD 0.008%). This variant has not been reported in the literature in individuals affected with KIAA1161-related conditions. An algorithm developed to predict the effect of missense changes on protein structure and function outputs the following: PolyPhen-2: "Not Available". The valine amino acid residue is found in multiple mammalian species, which suggests that this missense change does not adversely affect protein function. In summary, the available evidence is currently insufficient to determine the role of this variant in disease. Therefore, it has been classified as a Variant of Uncertain Significance.

Ambry Genetics
Classification: Uncertain significance. Last evaluated: 2025-01-16. Review status: criteria provided, single submitter. Criteria: Ambry Variant Classification Scheme 2023. Collection method: clinical testing. Allele origin: germline.

NM_020702.5(MYORG):c.32C>T (p.Ala11Val)

Gene: MYORG (myogenesis regulating glycosidase; minus strand). Cytogenetic location: 9p13.3.
Variant type: single nucleotide variant.
Coding change: c.32C>T on transcript NM_020702.5 (MANE Select); coding-DNA position 32, C replaced by T.
Protein change: p.Ala11Val; replaces alanine 11 with valine.
Molecular consequence: missense variant.
Genome position (GRCh38, 1-based): chr9:34,372,912, G>A on the plus strand (C>T on the coding strand, the complement: MYORG is on the minus strand). VCF-style: chr9-34372912-G-A. GRCh37 (hg19) VCF-style: chr9-34372910-G-A.
Other names: short protein forms A11V.
Identifiers: ClinVar variation 3877215 (VCV003877215.2).
Genomic context (GRCh38, chr9:34,372,912, plus strand): 5'-GCGATGGCCTCGGGGTTCTGACGGTATGCGTAGCAGCCAGGCCGGCGGCGGCGGGGGTAG[G>A]CCTGGCTCTTCTCCTGAGGGTTCTGGAGCATTAGTGGGCTGCTAAGAAAGGAGCGGGCCG-3'
Protein context (NP_065753.2, residues 1-21): MLQNPQEKSQ[Ala11Val]YPRRRRPGCY